The following is an entry in ClinVar:

ClinVar aggregate classification (germline): Pathogenic (1 of 4 stars; one submission).

Submission:

Labcorp Genetics (formerly Invitae), Labcorp
Classification: Pathogenic. Last evaluated: 2024-01-31. Review status: criteria provided, single submitter. Criteria: Invitae Variant Classification Sherloc (09022015). Collection method: clinical testing. Allele origin: germline.
Comment: This sequence change replaces phenylalanine, which is neutral and non-polar, with cysteine, which is neutral and slightly polar, at codon 306 of the PPP3CA protein (p.Phe306Cys). This variant is not present in population databases (gnomAD no frequency). This missense change has been observed in individual(s) with PPP3CA-related conditions (Invitae). In at least one individual the variant was observed to be de novo. Advanced modeling of protein sequence and biophysical properties (such as structural, functional, and spatial information, amino acid conservation, physicochemical variation, residue mobility, and thermodynamic stability) performed at Invitae indicates that this missense variant is expected to disrupt PPP3CA protein function with a positive predictive value of 80%. For these reasons, this variant has been classified as Pathogenic.

NM_000944.5(PPP3CA):c.917T>G (p.Phe306Cys)

Gene: PPP3CA (protein phosphatase 3 catalytic subunit alpha; minus strand). Cytogenetic location: 4q24.
Variant type: single nucleotide variant.
Coding change: c.917T>G on transcript NM_000944.5 (MANE Select); coding-DNA position 917, T replaced by G.
Protein change: p.Phe306Cys; replaces phenylalanine 306 with cysteine.
Molecular consequence: missense variant.
Genome position (GRCh38, 1-based): chr4:101,080,570, A>C on the plus strand (T>G on the coding strand, the complement: PPP3CA is on the minus strand). VCF-style: chr4-101080570-A-C. GRCh37 (hg19) VCF-style: chr4-102001727-A-C.
Other names: c.917T>G, p.Phe306Cys (NM_001130691.2, NM_001130692.2); short protein forms F306C.
Identifiers: ClinVar variation 2760879 (VCV002760879.3), dbSNP rs2476297677, ClinGen allele CA357949582.